The following is an entry in ClinVar:

NM_133642.5(LARGE1):c.1933G>A (p.Ala645Thr)

Gene: LARGE1 (LARGE xylosyl- and glucuronyltransferase 1; minus strand). Cytogenetic location: 22q12.3.
Variant type: single nucleotide variant.
Coding change: c.1933G>A on transcript NM_133642.5 (MANE Select); coding-DNA position 1933, G replaced by A.
Protein change: p.Ala645Thr; replaces alanine 645 with threonine.
Molecular consequence: missense variant.
Genome position (GRCh38, 1-based): chr22:33,277,200, C>T on the plus strand (G>A on the coding strand, the complement: LARGE1 is on the minus strand). VCF-style: chr22-33277200-C-T. GRCh37 (hg19) VCF-style: chr22-33673186-C-T.
Other names: c.1933G>A, p.Ala645Thr (NM_001362949.2, NM_001362951.2, NM_001362953.2 and 4 more transcripts); c.1786G>A, p.Ala596Thr (NM_001378627.1, NM_001378628.1); c.1777G>A, p.Ala593Thr (NM_001378629.1); c.1330G>A, p.Ala444Thr (NM_001378630.1); c.1027G>A, p.Ala343Thr (NM_001378631.1); short protein forms A444T, A645T, A593T, A343T, A596T.
Identifiers: ClinVar variation 1349621 (VCV001349621.6), dbSNP rs759095312, ClinGen allele CA10202602.
Genomic context (GRCh38, chr22:33,277,200, plus strand): 5'-GTCTCACAACAACATACGGCTCAAAATCGGCCTCCCACTCAACCCGGTAAGGCGTGGTGG[C>T]GGTCCGCCACTTGGCGAAGTTTGTGGGTGCGTGGCCTTTCGTCCAGACGTGGTACCTGAG-3'
Protein context (NP_598397.1, residues 635-655): APTNFAKWRT[Ala645Thr]TTPYRVEWEA

ClinVar aggregate classification (germline): Uncertain significance (1 of 4 stars; one submission).

Conditions:
Muscular dystrophy-dystroglycanopathy type B6 (MDDGB6). Also called: MUSCULAR DYSTROPHY-DYSTROGLYCANOPATHY (CONGENITAL WITH IMPAIRED INTELLECTUAL DEVELOPMENT), TYPE B, 6; MUSCULAR DYSTROPHY, CONGENITAL, LARGE-RELATED; MUSCULAR DYSTROPHY, CONGENITAL, TYPE 1D. Identifiers: MedGen C1837229, MONDO:0012138, OMIM 608840.

Allele frequency attached by ClinVar (database versions not stated): gnomAD exomes below 0.00001 and 0.00001; ExAC 0.00001; gnomAD 0.00001; TOPMed 0.00001.
gnomAD v4.1: 22 of 1,614,132 alleles (0.0014%); highest among the groups gnomAD compares: East Asian, 0.018%; no homozygotes.

Submission:

Labcorp Genetics (formerly Invitae), Labcorp
Classification: Uncertain significance for Muscular dystrophy-dystroglycanopathy type B6. Last evaluated: 2025-06-02. Review status: criteria provided, single submitter. Criteria: Invitae Variant Classification Sherloc (09022015). Collection method: clinical testing. Allele origin: germline.
Comment: This sequence change replaces alanine, which is neutral and non-polar, with threonine, which is neutral and polar, at codon 645 of the LARGE1 protein (p.Ala645Thr). This variant is present in population databases (rs759095312, gnomAD 0.003%). This variant has not been reported in the literature in individuals affected with LARGE1-related conditions. ClinVar contains an entry for this variant (Variation ID: 1349621). Invitae Evidence Modeling of protein sequence and biophysical properties (such as structural, functional, and spatial information, amino acid conservation, physicochemical variation, residue mobility, and thermodynamic stability) indicates that this missense variant is not expected to disrupt LARGE1 protein function with a negative predictive value of 80%. In summary, the available evidence is currently insufficient to determine the role of this variant in disease. Therefore, it has been classified as a Variant of Uncertain Significance.